The following is an entry in ClinVar:

NM_024649.5(BBS1):c.999G>A (p.Met333Ile)

Genes: ZDHHC24 (zDHHC palmitoyltransferase 24; minus strand), BBS1 (Bardet-Biedl syndrome 1; plus strand). Cytogenetic location: 11q13.2.
Variant type: single nucleotide variant.
Coding change: c.999G>A on transcript NM_024649.5 (MANE Select); coding-DNA position 999, G replaced by A.
Protein change: p.Met333Ile; replaces methionine 333 with isoleucine.
Molecular consequence: missense variant. On other transcripts: intron variant (1).
Genome position (GRCh38, 1-based): chr11:66,523,771, G>A. VCF-style: chr11-66523771-G-A. GRCh37 (hg19) VCF-style: chr11-66291242-G-A.
Other names: c.*22-2305C>T (NM_001348571.2); short protein forms M333I.
Identifiers: ClinVar variation 1356088 (VCV001356088.6), dbSNP rs1856357942, ClinGen allele CA381462208.
Genomic context (GRCh38, chr11:66,523,771, plus strand): 5'-TGTTCCCTGCCAGGGGAAGAAGCTGTGGACAGTGCAGATGCCCGCAGCCATCCTGACCAT[G>A]AACCTCCTGGAGCAGCATTCCCGGGGCCTGCAGGCCGTCATGGCTGGGCTGGCCAATGGA-3'
Protein context (NP_078925.3, residues 323-343): TVQMPAAILT[Met333Ile]NLLEQHSRGL

ClinVar aggregate classification (germline): Uncertain significance (1 of 4 stars; one submission).

Conditions:
Bardet-Biedl syndrome (BBS). Identifiers: Orphanet 110, MedGen C0752166, MONDO:0015229.

Allele frequency attached by ClinVar (database versions not stated): gnomAD exomes below 0.00001.
gnomAD v4.1: 1 of 1,613,120 alleles (0.000062%); highest among the groups gnomAD compares: Non-Finnish European, 0.000085%; no homozygotes.

Submission:

Labcorp Genetics (formerly Invitae), Labcorp
Classification: Uncertain significance for Bardet-Biedl syndrome. Last evaluated: 2022-03-19. Review status: criteria provided, single submitter. Criteria: Invitae Variant Classification Sherloc (09022015). Collection method: clinical testing. Allele origin: germline.
Comment: In summary, the available evidence is currently insufficient to determine the role of this variant in disease. Therefore, it has been classified as a Variant of Uncertain Significance. Algorithms developed to predict the effect of missense changes on protein structure and function (SIFT, PolyPhen-2, Align-GVGD) all suggest that this variant is likely to be tolerated. This variant has not been reported in the literature in individuals affected with BBS1-related conditions. This variant is not present in population databases (gnomAD no frequency). This sequence change replaces methionine, which is neutral and non-polar, with isoleucine, which is neutral and non-polar, at codon 333 of the BBS1 protein (p.Met333Ile).